The following is an entry in ClinVar:

ClinVar aggregate classification (germline): Uncertain significance. Review status: criteria provided, multiple submitters, no conflicts (2 of 4 stars). 4 submissions from 4 submitters: Uncertain significance (4). Last evaluated 2024-08-21.

Conditions:
Inborn genetic diseases. Identifiers: MedGen C0950123, MeSH D030342.

Allele frequency attached by ClinVar (database versions not stated): gnomAD exomes 0.00007; ExAC 0.00010; 1000 Genomes Project 30x 0.00016; 1000 Genomes Project 0.00020; ESP Exome Variant Server 0.00023; gnomAD 0.00024 and 0.00025.
gnomAD v4.1: 64 of 1,614,256 alleles (0.004%); highest among the groups gnomAD compares: African/African-American, 0.079%; no homozygotes.

Submissions (4):

Ambry Genetics
Classification: Uncertain significance for Inborn genetic diseases. Last evaluated: 2024-08-21. Review status: criteria provided, single submitter. Criteria: Ambry Variant Classification Scheme 2023. Collection method: clinical testing. Allele origin: germline.

Labcorp Genetics (formerly Invitae), Labcorp
Classification: Uncertain significance. Last evaluated: 2022-07-20. Review status: criteria provided, single submitter. Criteria: Invitae Variant Classification Sherloc (09022015). Collection method: clinical testing. Allele origin: germline.
Comment: In summary, the available evidence is currently insufficient to determine the role of this variant in disease. Therefore, it has been classified as a Variant of Uncertain Significance. Algorithms developed to predict the effect of missense changes on protein structure and function (SIFT, PolyPhen-2, Align-GVGD) all suggest that this variant is likely to be tolerated. ClinVar contains an entry for this variant (Variation ID: 1216104). This variant has not been reported in the literature in individuals affected with ILDR1-related conditions. This variant is present in population databases (rs146697721, gnomAD 0.09%). This sequence change replaces alanine, which is neutral and non-polar, with threonine, which is neutral and polar, at codon 389 of the ILDR1 protein (p.Ala389Thr).

GeneDx
Classification: Uncertain significance. Last evaluated: 2021-06-18. Review status: criteria provided, single submitter. Criteria: GeneDx Variant Classification Process June 2021. Collection method: clinical testing. Allele origin: germline. Affected: yes.
Comment: In silico analysis supports that this missense variant does not alter protein structure/function; Has not been previously published as pathogenic or benign to our knowledge; This variant is associated with the following publications: (PMID: 27535533)

Breakthrough Genomics
Classification: Uncertain significance. Review status: criteria provided, single submitter. Criteria: ACMG Guidelines, 2015. Collection method: not provided. Allele origin: germline. Inheritance: Autosomal recessive inheritance. Affected: yes.

NM_001199799.2(ILDR1):c.1165G>A (p.Ala389Thr)

Gene: ILDR1 (immunoglobulin like domain containing receptor 1; minus strand). Cytogenetic location: 3q13.33.
Variant type: single nucleotide variant.
Coding change: c.1165G>A on transcript NM_001199799.2 (MANE Select); coding-DNA position 1165, G replaced by A.
Protein change: p.Ala389Thr; replaces alanine 389 with threonine.
Molecular consequence: missense variant.
Genome position (GRCh38, 1-based): chr3:121,993,584, C>T on the plus strand (G>A on the coding strand, the complement: ILDR1 is on the minus strand). VCF-style: chr3-121993584-C-T. GRCh37 (hg19) VCF-style: chr3-121712431-C-T.
Other names: c.898G>A, p.Ala300Thr (NM_001199800.2); c.1033G>A, p.Ala345Thr (NM_175924.4); short protein forms A300T, A345T, A389T.
Identifiers: ClinVar variation 1216104 (VCV001216104.9), dbSNP rs146697721, ClinGen allele CA2568751.